The following is an entry in ClinVar:

NM_198428.3(BBS9):c.979C>T (p.Pro327Ser)

Gene: BBS9 (Bardet-Biedl syndrome 9; plus strand). Cytogenetic location: 7p14.3.
Variant type: single nucleotide variant.
Coding change: c.979C>T on transcript NM_198428.3 (MANE Select); coding-DNA position 979, C replaced by T.
Protein change: p.Pro327Ser; replaces proline 327 with serine.
Molecular consequence: missense variant. On other transcripts: non-coding transcript variant (3).
Genome position (GRCh38, 1-based): chr7:33,273,919, C>T. VCF-style: chr7-33273919-C-T. GRCh37 (hg19) VCF-style: chr7-33313531-C-T.
Other names: c.979C>T, p.Pro327Ser (NM_001033604.2, NM_001033605.2, NM_001348036.1 and 5 more transcripts); c.613C>T, p.Pro205Ser (NM_001348037.3, NM_001348044.3, NM_001348045.3 and 1 more transcripts); c.706C>T, p.Pro236Ser (NM_001348038.3, NM_001348039.3); c.844C>T, p.Pro282Ser (NM_001348042.3); c.979C>T (NM_198428.2); short protein forms P236S, P205S, P282S, P327S.
Identifiers: ClinVar variation 1374580 (VCV001374580.8), dbSNP rs760272596, ClinGen allele CA4214155.

ClinVar aggregate classification (germline): Uncertain significance. Review status: criteria provided, multiple submitters, no conflicts (2 of 4 stars). 3 submissions from 3 submitters: Uncertain significance (2). 1 of the submissions does not count toward it. Last evaluated 2025-04-28.

Conditions:
Bardet-Biedl syndrome (BBS). Identifiers: Orphanet 110, MedGen C0752166, MONDO:0015229.
Bardet-Biedl syndrome 9 (BBS9). Identifiers: Orphanet 110, MedGen C1859567, MONDO:0014437, OMIM 615986.
BBS9-related disorder. Also called: BBS9-related condition.

Allele frequency attached by ClinVar (database versions not stated): ExAC 0.00001; gnomAD 0.00001; gnomAD exomes 0.00002.

Submissions (3):

Labcorp Genetics (formerly Invitae), Labcorp
Classification: Uncertain significance for Bardet-Biedl syndrome. Last evaluated: 2025-04-28. Review status: criteria provided, single submitter. Criteria: Invitae Variant Classification Sherloc (09022015). Collection method: clinical testing. Allele origin: germline.
Comment: This sequence change replaces proline, which is neutral and non-polar, with serine, which is neutral and polar, at codon 327 of the BBS9 protein (p.Pro327Ser). This variant is present in population databases (rs760272596, gnomAD 0.01%), including at least one homozygous and/or hemizygous individual. This variant has not been reported in the literature in individuals affected with BBS9-related conditions. ClinVar contains an entry for this variant (Variation ID: 1374580). Invitae Evidence Modeling of protein sequence and biophysical properties (such as structural, functional, and spatial information, amino acid conservation, physicochemical variation, residue mobility, and thermodynamic stability) indicates that this missense variant is not expected to disrupt BBS9 protein function with a negative predictive value of 80%. In summary, the available evidence is currently insufficient to determine the role of this variant in disease. Therefore, it has been classified as a Variant of Uncertain Significance.

Fulgent Genetics
Classification: Uncertain significance for Bardet-Biedl syndrome 9. Last evaluated: 2024-05-14. Review status: criteria provided, single submitter. Criteria: ACMG Guidelines, 2015. Collection method: clinical testing. Allele origin: germline.

PreventionGenetics, part of Exact Sciences
Classification: Uncertain significance for BBS9-related condition. Last evaluated: 2024-07-08. Review status: no assertion criteria provided. Collection method: clinical testing. Allele origin: germline. Not counted in ClinVar's aggregate classification.
Comment: The BBS9 c.979C>T variant is predicted to result in the amino acid substitution p.Pro327Ser. To our knowledge, this variant has not been reported in the literature. This variant is reported in 0.014% of alleles in individuals of Latino descent in gnomAD. At this time, the clinical significance of this variant is uncertain due to the absence of conclusive functional and genetic evidence.